The following is an entry in ClinVar:

NC_000010.10:g.(?_225953)_(285485_?)dup

Gene: ZMYND11 (zinc finger MYND-type containing 11; plus strand). Cytogenetic location: 10p15.3.
Variant type: Duplication.
Identifiers: ClinVar variation 3244988 (VCV003244988.1).

ClinVar aggregate classification (germline): Uncertain significance (1 of 4 stars; one submission).

Submission:

Labcorp Genetics (formerly Invitae), Labcorp
Classification: Uncertain significance. Last evaluated: 2023-12-19. Review status: criteria provided, single submitter. Criteria: Invitae Variant Classification Sherloc (09022015). Collection method: clinical testing. Allele origin: unknown.
Comment: This variant results in a copy number gain of the genomic region encompassing exon(s) 2-7 of the ZMYND11 gene. This region includes the initiator codon of the gene. This copy number gain extends beyond the assayed region for this gene and therefore may encompass additional genes. As the precise location of this event is unknown, it may be in tandem or it may be located elsewhere in the genome. A similar copy number variant has been observed in individual(s) with clinical features of syndromic intellectual disability (Invitae). In summary, the available evidence is currently insufficient to determine the role of this variant in disease. Therefore, it has been classified as a Variant of Uncertain Significance.